The following is an entry in ClinVar:

NM_001142416.2(AIMP1):c.347del (p.Gly116fs)

Gene: AIMP1 (aminoacyl tRNA synthetase complex interacting multifunctional protein 1; plus strand). Cytogenetic location: 4q24.
Variant type: Deletion.
Coding change: c.347del on transcript NM_001142416.2 (MANE Select); coding-DNA position 347, one base deleted (G; older notation c.347delG).
Protein change: p.Gly116fs; shifts the reading frame from glycine 116.
Molecular consequence: frameshift variant.
Genome position (GRCh38, 1-based): chr4:106,328,199, G deleted; the last of 2 consecutive G bases (chr4:106,328,198-106,328,199); deleting either gives the same sequence. VCF-style (leftmost placement, unchanged base first): chr4-106328197-AG-A. GRCh37 (hg19) VCF-style: chr4-107249354-AG-A.
Other names: p.Gly116GlufsTer26; c.347del, p.Gly116fs (NM_001142415.2, NM_004757.4); short protein forms G116fs.
Identifiers: ClinVar variation 3391194 (VCV003391194.2).

ClinVar aggregate classification (germline): Likely pathogenic. Review status: criteria provided, multiple submitters, no conflicts (2 of 4 stars). 2 submissions from 2 submitters: Likely pathogenic (2). Last evaluated 2026-07-27.

Conditions:
Leukodystrophy, hypomyelinating, 3. Identifiers: Orphanet 280270, Orphanet 280293, MedGen C1850053, MONDO:0009843, OMIM 260600.

Submissions (2):

Foundation for Research in Genetics and Endocrinology, FRIGE's Institute of Human Genetics
Classification: Likely pathogenic for Leukodystrophy, hypomyelinating, 3. Last evaluated: 2026-07-27. Review status: criteria provided, single submitter. Criteria: ACMG Guidelines, 2015. Collection method: clinical testing. Allele origin: germline. Inheritance: Autosomal recessive inheritance. Affected: yes. Observed: 1 variant allele, 1 homozygote.
Comment: A homozygous 1 base pair deletion in exon 4 of the AIMP1 gene that results in a frameshift and premature truncation of the protein 26 amino acids downstream to codon 116 (p.Gly116GlufsTer26) was detected. The p.Gly116GlufsTer26 variant has not been reported in the 1000 genomes, gnomAD (v3.1), gnomAD (v2.1) and topmed databases. The reference region is conserved across species. In summary, the variant meets our criteria to be classified as likely pathogenic.

Neuberg Centre For Genomic Medicine, NCGM
Classification: Likely pathogenic for Leukodystrophy, hypomyelinating, 3. Last evaluated: 2023-06-22. Review status: criteria provided, single submitter. Criteria: ACMG Guidelines, 2015. Collection method: clinical testing. Allele origin: germline. Inheritance: Autosomal recessive inheritance. Affected: yes.
Comment: The observed frameshift c.347delp.Gly116GlufsTer26 variant in AIMP1 gene has not been reported previously as a pathogenic variant nor as a benign variant, to our knowledge. This variant is absent in gnomAD Exomes. This variant causes a frameshift starting with codon Glycine 116, changes this amino acid to Glutamic Acid residue, and creates a premature Stop codon at position 26 of the new reading frame, denoted p.Gly116GlufsTer26. This variant is predicted to cause loss of normal protein function through protein truncation. Loss of function variants have been previously reported to be disease causing. For these reasons, this variant has been classified as Likely Pathogenic.